The following is an entry in ClinVar:

NM_002180.3(IGHMBP2):c.727C>T (p.Pro243Ser)

Gene: IGHMBP2 (immunoglobulin mu DNA binding protein 2; plus strand). Cytogenetic location: 11q13.3.
Variant type: single nucleotide variant.
Coding change: c.727C>T on transcript NM_002180.3 (MANE Select); coding-DNA position 727, C replaced by T.
Protein change: p.Pro243Ser; replaces proline 243 with serine.
Molecular consequence: missense variant.
Genome position (GRCh38, 1-based): chr11:68,914,838, C>T. VCF-style: chr11-68914838-C-T. GRCh37 (hg19) VCF-style: chr11-68682306-C-T.
Other names: short protein forms P243S.
Identifiers: ClinVar variation 1033903 (VCV001033903.4), dbSNP rs746910953, ClinGen allele CA6153382.
Genomic context (GRCh38, chr11:68,914,838, plus strand): 5'-TTTGATTACAAAGTAAATGACCAGATCCTAACTTGCGGTTCCCAGGTTCTGTGCTGCGCC[C>T]CCTCCAACATCGCCGTGGACAATCTGGTGGAGCGCCTGGCTCTGTGTAAGCAGCGGATTC-3'
Protein context (NP_002171.2, residues 233-253): KQGLKVLCCA[Pro243Ser]SNIAVDNLVE

ClinVar aggregate classification (germline): Uncertain significance. Review status: criteria provided, multiple submitters, no conflicts (2 of 4 stars). 3 submissions from 3 submitters: Uncertain significance (3). Last evaluated 2025-12-19.

Conditions:
Inborn genetic diseases. Identifiers: MedGen C0950123, MeSH D030342.
Charcot-Marie-Tooth disease axonal type 2S. Also called: CHARCOT-MARIE-TOOTH DISEASE, AXONAL, AUTOSOMAL RECESSIVE, TYPE 2S; CHARCOT-MARIE-TOOTH NEUROPATHY, TYPE 2S. Identifiers: Orphanet 443073, MedGen C4015349, MONDO:0014511, OMIM 616155.
Autosomal recessive distal spinal muscular atrophy 1. Also called: NEURONOPATHY, DISTAL HEREDITARY MOTOR, HARDING TYPE VI; NEUROPATHY, DISTAL HEREDITARY MOTOR, AUTOSOMAL RECESSIVE 1; SEVERE INFANTILE AXONAL NEUROPATHY WITH RESPIRATORY FAILURE; SPINAL MUSCULAR ATROPHY, DIAPHRAGMATIC; NEURONOPATHY, SEVERE INFANTILE AXONAL, WITH RESPIRATORY FAILURE; Spinal muscular atrophy with respiratory distress 1. Identifiers: Orphanet 98920, MedGen C1858517, MONDO:0011436, OMIM 604320.

Allele frequency attached by ClinVar (database versions not stated): gnomAD exomes below 0.00001 and 0.00001; TOPMed below 0.00001; gnomAD 0.00001; ExAC 0.00002.

Submissions (3):

Labcorp Genetics (formerly Invitae), Labcorp
Classification: Uncertain significance for Autosomal recessive distal spinal muscular atrophy 1; Charcot-Marie-Tooth disease axonal type 2S. Last evaluated: 2025-12-19. Review status: criteria provided, single submitter. Criteria: Invitae Variant Classification Sherloc (09022015). Collection method: clinical testing. Allele origin: germline.
Comment: This sequence change replaces proline, which is neutral and non-polar, with serine, which is neutral and polar, at codon 243 of the IGHMBP2 protein (p.Pro243Ser). This variant is present in population databases (rs746910953, gnomAD 0.009%). This variant has not been reported in the literature in individuals affected with IGHMBP2-related conditions. ClinVar contains an entry for this variant (Variation ID: 1033903). Invitae Evidence Modeling of protein sequence and biophysical properties (such as structural, functional, and spatial information, amino acid conservation, physicochemical variation, residue mobility, and thermodynamic stability) has been performed for this missense variant. However, the output from this modeling did not meet the statistical confidence thresholds required to predict the impact of this variant on IGHMBP2 protein function. In summary, the available evidence is currently insufficient to determine the role of this variant in disease. Therefore, it has been classified as a Variant of Uncertain Significance.

Ambry Genetics
Classification: Uncertain significance for Inborn genetic diseases. Last evaluated: 2020-02-25. Review status: criteria provided, single submitter. Criteria: Ambry Variant Classification Scheme 2023. Collection method: clinical testing. Allele origin: germline.
Comment: The p.P243S variant (also known as c.727C>T), located in coding exon 6 of the IGHMBP2 gene, results from a C to T substitution at nucleotide position 727. The proline at codon 243 is replaced by serine, an amino acid with similar properties. This amino acid position is highly conserved in available vertebrate species. In addition, the in silico prediction for this alteration is inconclusive. Since supporting evidence is limited at this time, the clinical significance of this alteration remains unclear.

Baylor Genetics
Classification: Uncertain significance for Charcot-Marie-Tooth disease axonal type 2S. Last evaluated: 2018-07-19. Review status: criteria provided, single submitter. Criteria: ACMG Guidelines, 2015. Collection method: clinical testing. Allele origin: unknown. Affected: yes.
Comment: This variant was determined to be of uncertain significance according to ACMG Guidelines, 2015 [PMID:25741868].